The following is an entry in ClinVar:

ClinVar aggregate classification (germline): Uncertain significance (1 of 4 stars; one submission).

Conditions:
Primary ciliary dyskinesia. Also called: Ciliary dyskinesia. Identifiers: Orphanet 244, MedGen C0008780, MONDO:0016575, HP:0012265.

gnomAD v4.1: 9 of 1,614,100 alleles (0.00056%); highest among the groups gnomAD compares: South Asian, 0.0022%; no homozygotes.

Submission:

Labcorp Genetics (formerly Invitae), Labcorp
Classification: Uncertain significance for Primary ciliary dyskinesia. Last evaluated: 2025-02-16. Review status: criteria provided, single submitter. Criteria: Invitae Variant Classification Sherloc (09022015). Collection method: clinical testing. Allele origin: germline.
Comment: This sequence change replaces isoleucine, which is neutral and non-polar, with valine, which is neutral and non-polar, at codon 3141 of the DNAH5 protein (p.Ile3141Val). This variant is present in population databases (rs750464500, gnomAD 0.006%). This variant has not been reported in the literature in individuals affected with DNAH5-related conditions. Invitae Evidence Modeling of protein sequence and biophysical properties (such as structural, functional, and spatial information, amino acid conservation, physicochemical variation, residue mobility, and thermodynamic stability) indicates that this missense variant is not expected to disrupt DNAH5 protein function with a negative predictive value of 95%. In summary, the available evidence is currently insufficient to determine the role of this variant in disease. Therefore, it has been classified as a Variant of Uncertain Significance.

NM_001369.3(DNAH5):c.9421A>G (p.Ile3141Val)

Gene: DNAH5 (dynein axonemal heavy chain 5; minus strand). Cytogenetic location: 5p15.2.
Variant type: single nucleotide variant.
Coding change: c.9421A>G on transcript NM_001369.3 (MANE Select); coding-DNA position 9421, A replaced by G.
Protein change: p.Ile3141Val; replaces isoleucine 3141 with valine.
Molecular consequence: missense variant.
Genome position (GRCh38, 1-based): chr5:13,770,933, T>C on the plus strand (A>G on the coding strand, the complement: DNAH5 is on the minus strand). VCF-style: chr5-13770933-T-C. GRCh37 (hg19) VCF-style: chr5-13771042-T-C.
Other names: short protein forms I3141V.
Identifiers: ClinVar variation 4797995 (VCV004797995.1).